The following is an entry in ClinVar:

NM_005476.7(GNE):c.1795G>T (p.Glu599Ter)

Gene: GNE (glucosamine (UDP-N-acetyl)-2-epimerase/N-acetylmannosamine kinase; minus strand). Cytogenetic location: 9p13.3.
Variant type: single nucleotide variant.
Coding change: c.1795G>T on transcript NM_005476.7 (MANE Select); coding-DNA position 1795, G replaced by T.
Protein change: p.Glu599Ter; replaces glutamic acid 599 with a stop codon.
Molecular consequence: nonsense.
Genome position (GRCh38, 1-based): chr9:36,219,859, C>A on the plus strand (G>T on the coding strand, the complement: GNE is on the minus strand). VCF-style: chr9-36219859-C-A. GRCh37 (hg19) VCF-style: chr9-36219856-C-A.
Other names: c.1618G>T, p.Glu540Ter (NM_001190388.2, NM_001374798.1); c.1642G>T, p.Glu548Ter (NM_001374797.1); c.1888G>T, p.Glu630Ter (NM_001128227.3); c.1573G>T, p.Glu525Ter (NM_001190383.3); c.1465G>T, p.Glu489Ter (NM_001190384.3); short protein forms E489*, E525*, E540*, E548*, E599*, E630*.
Identifiers: ClinVar variation 4814604 (VCV004814604.1).

ClinVar aggregate classification (germline): Likely pathogenic (1 of 4 stars; one submission).

Conditions:
GNE myopathy (NM). Also called: MYOPATHY, DISTAL, WITH OR WITHOUT RIMMED VACUOLES; IBM 2; Inclusion body myopathy autosomal recessive; Inclusion body myopathy quadriceps sparing; NONAKA DISTAL MYOPATHY; INCLUSION BODY MYOPATHY, HEREDITARY, AUTOSOMAL RECESSIVE. Identifiers: Orphanet 602, MedGen C1853926, MONDO:0011603, OMIM 605820.

Submission:

Natera, Inc.
Classification: Likely pathogenic for Nonaka myopathy. Last evaluated: 2025-05-15. Review status: criteria provided, single submitter. Criteria: Natera Variant Classification Schema (03/2026). Collection method: clinical testing. Allele origin: germline.
Comment: The c.1888G>T variant in GNE is a nonsense variant predicted to introduce a stop codon at amino acid 630. This variant is expected to result in nonsense mediated decay, truncation, or a dysfunctional protein product. This variant is rare in the general population with a frequency below the threshold expected for the associated phenotype(s). Given the available evidence, this variant is classified as Likely Pathogenic.